The following is an entry in ClinVar:

ClinVar aggregate classification (germline): Uncertain significance (1 of 4 stars; one submission).

Conditions:
3-hydroxyisobutyryl-CoA hydrolase deficiency. Also called: HIBCH DEFICIENCY; METHACRYLIC ACID TOXICITY; METHACRYLIC ACIDURIA; VALINE METABOLIC DEFECT; Reduced circulating 3-hydroxyisobutyryl-CoA hydrolase activity; Deficiency of 3-hydroxyisobutyryl CoA hydrolase. Identifiers: Orphanet 88639, MedGen C0342738, MONDO:0009603, OMIM 250620, HP:6000215.

Submission:

3billion
Classification: Uncertain significance for 3-hydroxyisobutyryl-CoA hydrolase deficiency. Last evaluated: 2024-07-02. Review status: criteria provided, single submitter. Criteria: ACMG Guidelines, 2015. Collection method: clinical testing. Allele origin: germline. Affected: yes.
Comment: The variant is not observed in the gnomAD v4.0.0 dataset. Predicted Consequence/Location: Missense variant In silico tool predictions suggest damaging effect of the variant on gene or gene product [REVEL: 0.81 (>=0.6, sensitivity 0.68 and specificity 0.92)]. Therefore, this variant is classified as VUS according to the recommendation of ACMG/AMP guideline.

NM_014362.4(HIBCH):c.989A>C (p.Tyr330Ser)

Gene: HIBCH (3-hydroxyisobutyryl-CoA hydrolase; minus strand). Cytogenetic location: 2q32.2.
Variant type: single nucleotide variant.
Coding change: c.989A>C on transcript NM_014362.4 (MANE Select); coding-DNA position 989, A replaced by C.
Protein change: p.Tyr330Ser; replaces tyrosine 330 with serine.
Molecular consequence: missense variant.
Genome position (GRCh38, 1-based): chr2:190,212,978, T>G on the plus strand (A>C on the coding strand, the complement: HIBCH is on the minus strand). VCF-style: chr2-190212978-T-G. GRCh37 (hg19) VCF-style: chr2-191077704-T-G.
Other names: c.989A>C, p.Tyr330Ser (NM_198047.3); short protein forms Y330S.
Identifiers: ClinVar variation 4292598 (VCV004292598.1).
Genomic context (GRCh38, chr2:190,212,978, plus strand): 5'-TAGAACTAAAAAATGACATTTTTTTTTTAAATTCTTACCATACAAGCTTGACTTAGCCGA[T>G]ACTCCATAGTTAGTACTTCTTGCAAGGTCTTTGAAGACCCCTCCATGAGTTGCCTTAGTG-3'
Protein context (NP_055177.2, residues 320-340): KTLQEVLTME[Tyr330Ser]RLSQACMRGH